The following is an entry in ClinVar:

ClinVar aggregate classification (germline): Uncertain significance (1 of 4 stars; one submission).

Submission:

GeneDx
Classification: Uncertain significance. Last evaluated: 2023-01-27. Review status: criteria provided, single submitter. Criteria: GeneDx Variant Classification Process June 2021. Collection method: clinical testing. Allele origin: germline. Affected: yes.
Comment: Not observed at significant frequency in large population cohorts (gnomAD); In silico analysis supports that this missense variant does not alter protein structure/function; Has not been previously published as pathogenic or benign to our knowledge

NM_001257291.2(SLC9A7):c.700G>A (p.Val234Met)

Gene: SLC9A7 (solute carrier family 9 member A7; minus strand). Cytogenetic location: Xp11.3.
Variant type: single nucleotide variant.
Coding change: c.700G>A on transcript NM_001257291.2 (MANE Select); coding-DNA position 700, G replaced by A.
Protein change: p.Val234Met; replaces valine 234 with methionine.
Molecular consequence: missense variant.
Genome position (GRCh38, 1-based): chrX:46,669,700, C>T on the plus strand (G>A on the coding strand, the complement: SLC9A7 is on the minus strand). VCF-style: chrX-46669700-C-T. GRCh37 (hg19) VCF-style: chrX-46529135-C-T.
Other names: c.700G>A, p.Val234Met (NM_032591.3); short protein forms V234M.
Identifiers: ClinVar variation 2574484 (VCV002574484.1), dbSNP rs2519579444, ClinGen allele CA413032276.